The following is an entry in ClinVar:

ClinVar aggregate classification (germline): Uncertain significance (1 of 4 stars; one submission).

Conditions:
Renal cell carcinoma. Identifiers: Orphanet 217071, MedGen C0007134, MeSH D002292, MONDO:0005086, HP:0005584.

Submission:

Labcorp Genetics (formerly Invitae), Labcorp
Classification: Uncertain significance for Renal cell carcinoma. Last evaluated: 2025-01-26. Review status: criteria provided, single submitter. Criteria: Invitae Variant Classification Sherloc (09022015). Collection method: clinical testing. Allele origin: germline.
Comment: This sequence change replaces lysine, which is basic and polar, with asparagine, which is neutral and polar, at codon 1258 of the MET protein (p.Lys1258Asn). This variant is not present in population databases (gnomAD no frequency). This variant has not been reported in the literature in individuals affected with MET-related conditions. Invitae Evidence Modeling of protein sequence and biophysical properties (such as structural, functional, and spatial information, amino acid conservation, physicochemical variation, residue mobility, and thermodynamic stability) has been performed for this missense variant. However, the output from this modeling did not meet the statistical confidence thresholds required to predict the impact of this variant on MET protein function. In summary, the available evidence is currently insufficient to determine the role of this variant in disease. Therefore, it has been classified as a Variant of Uncertain Significance.

NM_000245.4(MET):c.3720A>C (p.Lys1240Asn)

Gene: MET (MET proto-oncogene, receptor tyrosine kinase; plus strand). Cytogenetic location: 7q31.2.
Variant type: single nucleotide variant.
Coding change: c.3720A>C on transcript NM_000245.4 (MANE Select); coding-DNA position 3720, A replaced by C.
Protein change: p.Lys1240Asn; replaces lysine 1240 with asparagine.
Molecular consequence: missense variant.
Genome position (GRCh38, 1-based): chr7:116,783,391, A>C. VCF-style: chr7-116783391-A-C. GRCh37 (hg19) VCF-style: chr7-116423445-A-C.
Other names: c.3774A>C, p.Lys1258Asn (NM_001127500.3); c.2430A>C, p.Lys810Asn (NM_001324402.2); short protein forms K1240N, K1258N, K810N.
Identifiers: ClinVar variation 3730681 (VCV003730681.2).